The following is an entry in ClinVar:

ClinVar aggregate classification (germline): Uncertain significance. Review status: criteria provided, multiple submitters, no conflicts (2 of 4 stars). 2 submissions from 2 submitters: Uncertain significance (2). Last evaluated 2025-12-03.

Allele frequency attached by ClinVar (database versions not stated): gnomAD exomes below 0.00001; TOPMed 0.00001.

Submissions (2):

Ambry Genetics
Classification: Uncertain significance. Last evaluated: 2025-12-03. Review status: criteria provided, single submitter. Criteria: Ambry Variant Classification Scheme 2023. Collection method: clinical testing. Allele origin: germline.

Labcorp Genetics (formerly Invitae), Labcorp
Classification: Uncertain significance. Last evaluated: 2023-09-19. Review status: criteria provided, single submitter. Criteria: Invitae Variant Classification Sherloc (09022015). Collection method: clinical testing. Allele origin: germline.
Comment: This sequence change replaces aspartic acid, which is acidic and polar, with glycine, which is neutral and non-polar, at codon 1362 of the FBN3 protein (p.Asp1362Gly). This variant is present in population databases (no rsID available, gnomAD 0.003%). This variant has not been reported in the literature in individuals affected with FBN3-related conditions. An algorithm developed to predict the effect of missense changes on protein structure and function (PolyPhen-2) suggests that this variant is likely to be tolerated. In summary, the available evidence is currently insufficient to determine the role of this variant in disease. Therefore, it has been classified as a Variant of Uncertain Significance.

NM_032447.5(FBN3):c.4085A>G (p.Asp1362Gly)

Gene: FBN3 (fibrillin 3; minus strand). Cytogenetic location: 19p13.2.
Variant type: single nucleotide variant.
Coding change: c.4085A>G on transcript NM_032447.5 (MANE Select); coding-DNA position 4085, A replaced by G.
Protein change: p.Asp1362Gly; replaces aspartic acid 1362 with glycine.
Molecular consequence: missense variant.
Genome position (GRCh38, 1-based): chr19:8,111,183, T>C on the plus strand (A>G on the coding strand, the complement: FBN3 is on the minus strand). VCF-style: chr19-8111183-T-C. GRCh37 (hg19) VCF-style: chr19-8176067-T-C.
Other names: c.4085A>G (NM_032447.3); c.4085A>G, p.Asp1362Gly (NM_001321431.2); short protein forms D1362G.
Identifiers: ClinVar variation 2965810 (VCV002965810.4), dbSNP rs1211197311, ClinGen allele CA403740288.